The following is an entry in ClinVar:

ClinVar aggregate classification (germline): Uncertain significance (1 of 4 stars; one submission).

Conditions:
Congenital myopathy with internal nuclei and atypical cores. Also called: Myopathy, centronuclear, 4. Identifiers: Orphanet 319160, MedGen C4707232, MONDO:0013890, OMIM 614807.

Allele frequency attached by ClinVar (database versions not stated): gnomAD exomes below 0.00001.

Submission:

Labcorp Genetics (formerly Invitae), Labcorp
Classification: Uncertain significance for Congenital myopathy with internal nuclei and atypical cores. Last evaluated: 2023-06-09. Review status: criteria provided, single submitter. Criteria: Invitae Variant Classification Sherloc (09022015). Collection method: clinical testing. Allele origin: germline.
Comment: In summary, the available evidence is currently insufficient to determine the role of this variant in disease. Therefore, it has been classified as a Variant of Uncertain Significance. Algorithms developed to predict the effect of sequence changes on RNA splicing suggest that this variant may disrupt the consensus splice site. Advanced modeling of protein sequence and biophysical properties (such as structural, functional, and spatial information, amino acid conservation, physicochemical variation, residue mobility, and thermodynamic stability) performed at Invitae indicates that this missense variant is not expected to disrupt CCDC78 protein function. This variant has not been reported in the literature in individuals affected with CCDC78-related conditions. This variant is not present in population databases (gnomAD no frequency). This sequence change replaces proline, which is neutral and non-polar, with serine, which is neutral and polar, at codon 136 of the CCDC78 protein (p.Pro136Ser).

NM_001378030.1(CCDC78):c.406C>T (p.Pro136Ser)

Gene: CCDC78 (coiled-coil domain containing 78; minus strand). Cytogenetic location: 16p13.3.
Variant type: single nucleotide variant.
Coding change: c.406C>T on transcript NM_001378030.1 (MANE Select); coding-DNA position 406, C replaced by T.
Protein change: p.Pro136Ser; replaces proline 136 with serine.
Molecular consequence: missense variant. On other transcripts: non-coding transcript variant (4), intron variant (1).
Genome position (GRCh38, 1-based): chr16:725,442, G>A on the plus strand (C>T on the coding strand, the complement: CCDC78 is on the minus strand). VCF-style: chr16-725442-G-A. GRCh37 (hg19) VCF-style: chr16-775442-G-A.
Other names: c.406C>T, p.Pro136Ser (NM_001031737.3, NM_001378031.1); c.-18-149C>T (NM_001378033.1); short protein forms P136S.
Identifiers: ClinVar variation 2783492 (VCV002783492.3), dbSNP rs2151566978, ClinGen allele CA394103552.